The following is an entry in ClinVar:

ClinVar aggregate classification (germline): Pathogenic. Review status: criteria provided, multiple submitters, no conflicts (2 of 4 stars). 2 submissions from 2 submitters: Pathogenic (2). Last evaluated 2026-02-05.

Conditions:
Hereditary cancer-predisposing syndrome. Also called: Tumor predisposition; Hereditary Cancer Syndrome; Hereditary neoplastic syndrome; Neoplastic Syndromes, Hereditary. Identifiers: Orphanet 140162, MedGen C0027672, MeSH D009386, MONDO:0015356.
Pheochromocytoma. Also called: MAX-Related Hereditary Paraganglioma-Pheochromocytoma Syndrome. Identifiers: Orphanet 29072, MedGen C0031511, MONDO:0008233, OMIM 171300, HP:0002666.
Cowden syndrome 3 (CWS3). Identifiers: Orphanet 201, MedGen CN166604, MONDO:0014045.
Paragangliomas with sensorineural hearing loss. Identifiers: MedGen C1868633.
Carney-Stratakis syndrome. Also called: PARAGANGLIOMA AND GASTROINTESTINAL STROMAL TUMOR. Identifiers: Orphanet 97286, MedGen C1847319, MONDO:0011740, OMIM 606864.

Submissions (2):

Ambry Genetics
Classification: Pathogenic for Hereditary cancer-predisposing syndrome. Last evaluated: 2026-02-05. Review status: criteria provided, single submitter. Criteria: Ambry Variant Classification Scheme 2023. Collection method: clinical testing. Allele origin: germline.
Comment: The c.52+1_52+2delGTinsAA intronic pathogenic mutation, located in intron 1 of the SDHD gene, results from the deletion of two nucleotides (GT) and the insertion of two nucleotides (AA) at nucleotide positions c.52+1 and c.52+2. This variant is considered to be rare based on population cohorts in the Genome Aggregation Database (gnomAD). These nucleotide positions are highly conserved in available vertebrate species. In silico splice site analysis predicts that this alteration will weaken the native splice donor site and will result in the creation or strengthening of a novel splice donor site; however, direct evidence is insufficient at this time (Ambry internal data). Alterations that disrupt the canonical splice site are expected to cause aberrant splicing, resulting in an abnormal protein or a transcript that is subject to nonsense-mediated mRNA decay. As such, this alteration is classified as a disease-causing mutation.

Labcorp Genetics (formerly Invitae), Labcorp
Classification: Pathogenic for Carney-Stratakis syndrome; Paragangliomas with sensorineural hearing loss; Pheochromocytoma; Cowden syndrome 3. Last evaluated: 2024-11-15. Review status: criteria provided, single submitter. Criteria: Invitae Variant Classification Sherloc (09022015). Collection method: clinical testing. Allele origin: germline.
Comment: This sequence change affects a splice site in intron 1 of the SDHD gene. It is expected to disrupt RNA splicing. Variants that disrupt the donor or acceptor splice site typically lead to a loss of protein function (PMID: 16199547), and loss-of-function variants in SDHD are known to be pathogenic (PMID: 19454582, 19802898). Information on the frequency of this variant in the gnomAD database is not available, as this variant may be reported differently in the database. Disruption of this splice site has been observed in individuals with paraganglioma (internal data). ClinVar contains an entry for this variant (Variation ID: 1746035). Studies have shown that disruption of this splice site is associated with inconclusive levels of altered splicing (internal data). For these reasons, this variant has been classified as Pathogenic.

Literature cited by the submitters: PubMed 16199547 (cited by Labcorp Genetics (formerly Invitae), Labcorp); PubMed 19454582 (cited by Labcorp Genetics (formerly Invitae), Labcorp); PubMed 19802898 (cited by Labcorp Genetics (formerly Invitae), Labcorp).

NM_003002.4(SDHD):c.52+1_52+2delinsAA

Genes: SDHD (succinate dehydrogenase complex subunit D; plus strand), LOC126861339 (BRD4-independent group 4 enhancer GRCh37_chr11:111957035-111958234; plus strand). Cytogenetic location: 11q23.1.
Variant type: Indel.
Coding change: c.52+1_52+2delinsAA on transcript NM_003002.4 (MANE Select); the canonical splice donor site of the intron after coding-DNA position 52, GT replaced by AA.
Molecular consequence: splice donor variant.
Genome position (GRCh38, 1-based): chr11:112,086,960-112,086,961, GT replaced by AA. VCF-style: chr11-112086960-GT-AA. GRCh37 (hg19) VCF-style: chr11-111957684-GT-AA.
Other names: c.52+1_52+2delinsAA (NM_001276506.2, NM_001276503.2, NM_001276504.2).
Identifiers: ClinVar variation 1746035 (VCV001746035.9), dbSNP rs2498895877, ClinGen allele CA1139532216.